The following is an entry in ClinVar:

NM_003640.5(ELP1):c.2068A>C (p.Lys690Gln)

Gene: ELP1 (elongator acetyltransferase complex subunit 1; minus strand). Cytogenetic location: 9q31.3.
Variant type: single nucleotide variant.
Coding change: c.2068A>C on transcript NM_003640.5 (MANE Select); coding-DNA position 2068, A replaced by C.
Protein change: p.Lys690Gln; replaces lysine 690 with glutamine.
Molecular consequence: missense variant.
Genome position (GRCh38, 1-based): chr9:108,900,322, T>G on the plus strand (A>C on the coding strand, the complement: ELP1 is on the minus strand). VCF-style: chr9-108900322-T-G. GRCh37 (hg19) VCF-style: chr9-111662602-T-G.
Other names: c.1726A>C, p.Lys576Gln (NM_001318360.2); c.1021A>C, p.Lys341Gln (NM_001330749.2); short protein forms K341Q, K576Q, K690Q.
Identifiers: ClinVar variation 967065 (VCV000967065.8), dbSNP rs761858315, ClinGen allele CA5174785.

ClinVar aggregate classification (germline): Uncertain significance. Review status: criteria provided, single submitter (1 of 4 stars). 2 submissions from 2 submitters: Uncertain significance (1). 1 of the submissions does not count toward it. Last evaluated 2022-03-23.

Conditions:
Familial dysautonomia. Also called: HSAN III; FD. Identifiers: Orphanet 1764, MedGen C0013364, MONDO:0009131, OMIM 223900. Disease mechanism: loss of function.

Allele frequency attached by ClinVar (database versions not stated): gnomAD exomes below 0.00001; ExAC 0.00001; TOPMed 0.00001.
gnomAD v4.1: 11 of 1,614,078 alleles (0.00068%); highest among the groups gnomAD compares: Non-Finnish European, 0.00093%; no homozygotes.

Submissions (2):

Labcorp Genetics (formerly Invitae), Labcorp
Classification: Uncertain significance. Last evaluated: 2022-03-23. Review status: criteria provided, single submitter. Criteria: Invitae Variant Classification Sherloc (09022015). Collection method: clinical testing. Allele origin: germline.
Comment: This sequence change replaces lysine, which is basic and polar, with glutamine, which is neutral and polar, at codon 690 of the ELP1 protein (p.Lys690Gln). This variant is present in population databases (rs761858315, gnomAD 0.0009%). This variant has not been reported in the literature in individuals affected with ELP1-related conditions. ClinVar contains an entry for this variant (Variation ID: 967065). Algorithms developed to predict the effect of missense changes on protein structure and function are either unavailable or do not agree on the potential impact of this missense change (SIFT: "Tolerated"; PolyPhen-2: "Possibly Damaging"; Align-GVGD: "Class C0"). In summary, the available evidence is currently insufficient to determine the role of this variant in disease. Therefore, it has been classified as a Variant of Uncertain Significance.

Natera, Inc.
Classification: Uncertain significance for Familial dysautonomia. Last evaluated: 2020-11-11. Review status: no assertion criteria provided. Collection method: clinical testing. Allele origin: germline. Not counted in ClinVar's aggregate classification.